The following is an entry in ClinVar:

NC_000005.9:g.(?_138221881)_(138222001_?)del

Gene: CTNNA1 (catenin alpha 1; plus strand). Cytogenetic location: 5q31.2.
Variant type: Deletion.
Identifiers: ClinVar variation 3246472 (VCV003246472.1).

ClinVar aggregate classification (germline): Uncertain significance (1 of 4 stars; one submission).

Submission:

Labcorp Genetics (formerly Invitae), Labcorp
Classification: Uncertain significance. Last evaluated: 2023-12-09. Review status: criteria provided, single submitter. Criteria: Invitae Variant Classification Sherloc (09022015). Collection method: clinical testing. Allele origin: unknown.
Comment: This variant is a gross deletion of the genomic region encompassing exon(s) 8 of the CTNNA1 gene. This variant would be expected to be in-frame, preserving the integrity of the reading frame. This variant has not been reported in the literature in individuals affected with CTNNA1-related conditions. Experimental studies and prediction algorithms are not available or were not evaluated, and the functional significance of this variant is currently unknown. In summary, the available evidence is currently insufficient to determine the role of this variant in disease. Therefore, it has been classified as a Variant of Uncertain Significance.